The following is an entry in ClinVar:

ClinVar aggregate classification (germline): Uncertain significance (1 of 4 stars; one submission).

Allele frequency attached by ClinVar (database versions not stated): gnomAD exomes below 0.00001 and 0.00001; gnomAD 0.00001; TOPMed 0.00001.
gnomAD v4.1: 11 of 1,613,988 alleles (0.00068%); highest among the groups gnomAD compares: African/African-American, 0.0013%; no homozygotes.

Submission:

Labcorp Genetics (formerly Invitae), Labcorp
Classification: Uncertain significance. Last evaluated: 2024-10-16. Review status: criteria provided, single submitter. Criteria: Invitae Variant Classification Sherloc (09022015). Collection method: clinical testing. Allele origin: germline.
Comment: This sequence change replaces aspartic acid, which is acidic and polar, with glycine, which is neutral and non-polar, at codon 58 of the MCM4 protein (p.Asp58Gly). This variant is present in population databases (no rsID available, gnomAD 0.0009%). This variant has not been reported in the literature in individuals affected with MCM4-related conditions. ClinVar contains an entry for this variant (Variation ID: 1446393). An algorithm developed to predict the effect of missense changes on protein structure and function (PolyPhen-2) suggests that this variant is likely to be tolerated. In summary, the available evidence is currently insufficient to determine the role of this variant in disease. Therefore, it has been classified as a Variant of Uncertain Significance.

NM_182746.3(MCM4):c.173A>G (p.Asp58Gly)

Gene: MCM4 (minichromosome maintenance complex component 4; plus strand). Cytogenetic location: 8q11.21.
Variant type: single nucleotide variant.
Coding change: c.173A>G on transcript NM_182746.3 (MANE Select); coding-DNA position 173, A replaced by G.
Protein change: p.Asp58Gly; replaces aspartic acid 58 with glycine.
Molecular consequence: missense variant.
Genome position (GRCh38, 1-based): chr8:47,961,618, A>G. VCF-style: chr8-47961618-A-G. GRCh37 (hg19) VCF-style: chr8-48874178-A-G.
Other names: c.173A>G, p.Asp58Gly (NM_005914.4); short protein forms D58G.
Identifiers: ClinVar variation 1446393 (VCV001446393.9), dbSNP rs1443322079, ClinGen allele CA371144971.
Genomic context (GRCh38, chr8:47,961,618, plus strand): 5'-GAGGCGAGGATTCCACCTCCACGGGGGAGTTGCAGCCGATGCCAACCTCGCCTGGAGTGG[A>G]CCTGCAGAGCCCTGCTGCGCAGGACGTGCTGTTTTCCAGCCCTCCCCAAATGCATTCTTC-3'
Protein context (NP_877423.1, residues 48-68): LQPMPTSPGV[Asp58Gly]LQSPAAQDVL